The following is an entry in ClinVar:

NM_017849.4(TMEM127):c.530del (p.Phe177fs)

Gene: TMEM127 (transmembrane protein 127; minus strand). Cytogenetic location: 2q11.2.
Variant type: Deletion.
Coding change: c.530del on transcript NM_017849.4 (MANE Select); coding-DNA position 530, one base deleted (T; older notation c.530delT).
Protein change: p.Phe177fs; shifts the reading frame from phenylalanine 177.
Molecular consequence: frameshift variant.
Genome position (GRCh38, 1-based): chr2:96,253,995, A deleted on the plus strand (T on the coding strand, the reverse complement: TMEM127 is on the minus strand); the first of 2 consecutive A bases (chr2:96,253,995-96,253,996); deleting either gives the same sequence. VCF-style (leftmost placement, unchanged base first): chr2-96253994-GA-G. GRCh37 (hg19) VCF-style: chr2-96919732-GA-G.
Other names: c.530delT (NM_017849.3); c.530del, p.Phe177fs (NM_001193304.3); short protein forms F177fs.
Identifiers: ClinVar variation 862047 (VCV000862047.10), dbSNP rs1684148846, ClinGen allele CA916081310.

ClinVar aggregate classification (germline): Pathogenic/Likely pathogenic. Review status: criteria provided, multiple submitters, no conflicts (2 of 4 stars). 2 submissions from 2 submitters: Pathogenic (1); Likely pathogenic (1). Last evaluated 2023-12-27.

Conditions:
Hereditary pheochromocytoma and paraganglioma. Also called: Hereditary pheochromocytoma-paraganglioma; Hereditary paragangliomas and pheochromocytomas; Hereditary Paraganglioma-Pheochromocytoma Syndromes. Identifiers: Orphanet 29072, MedGen C4274332, MONDO:0017366.
Hereditary cancer-predisposing syndrome. Also called: Hereditary Cancer Syndrome; Tumor predisposition; Neoplastic Syndromes, Hereditary; Hereditary neoplastic syndrome. Identifiers: Orphanet 140162, MedGen C0027672, MeSH D009386, MONDO:0015356.

Submissions (2):

Ambry Genetics
Classification: Likely pathogenic for Hereditary cancer-predisposing syndrome. Last evaluated: 2023-12-27. Review status: criteria provided, single submitter. Criteria: Ambry Variant Classification Scheme 2023. Collection method: clinical testing. Allele origin: germline.
Comment: The c.530delT variant, located in coding exon 3 of the TMEM127 gene, results from a deletion of one nucleotide at nucleotide position 530, causing a translational frameshift with a predicted alternate stop codon (p.F177Sfs*130). This alteration occurs at the 3' terminus of the TMEM127 gene, is not expected to trigger nonsense-mediated mRNA decay and results in the elongation of the protein by 67 amino acids. This frameshift impacts approximately the last 26% of the native protein. Frameshifts are typically deleterious in nature, the impacted region is critical for protein function, and a significant portion of the protein is affected (Ambry internal data). Similar frameshifting elongations have been detected in individuals diagnosed with pheochromocytomas (Ambry internal data; Pat&oacute;cs A et al. Pathol Oncol Res 2016 Oct;22(4):673-9; Yu R et al. Endocrinol Diabetes Metab Case Rep 2017 May;2017; Armaiz-Pena G et al. J Clin Endocrinol Metab 2021 Jan;106(1):e350-e364). This variant is considered to be rare based on population cohorts in the Genome Aggregation Database (gnomAD). Based on the majority of available evidence to date, this variant is likely to be pathogenic.

Labcorp Genetics (formerly Invitae), Labcorp
Classification: Pathogenic for Hereditary pheochromocytoma and paraganglioma. Last evaluated: 2023-02-02. Review status: criteria provided, single submitter. Criteria: Invitae Variant Classification Sherloc (09022015). Collection method: clinical testing. Allele origin: germline.
Comment: This variant is not present in population databases (gnomAD no frequency). This sequence change results in a frameshift in the TMEM127 gene (p.Phe177Serfs*130). While this is not anticipated to result in nonsense mediated decay, it is expected to disrupt the last 62 amino acid(s) of the TMEM127 protein and extend the protein by 67 additional amino acid residues. This variant has not been reported in the literature in individuals affected with TMEM127-related conditions. ClinVar contains an entry for this variant (Variation ID: 862047). This variant results in an extension of the TMEM127 protein. Other variant(s) that result in a similarly extended protein product (p.Thr191Argfs*116) have been determined to be pathogenic (PMID: 26960314, 28567294; Invitae). This suggests that these extensions are likely to be disease-causing. For these reasons, this variant has been classified as Pathogenic.

Literature cited by the submitters: PubMed 26960314 (cited by Labcorp Genetics (formerly Invitae), Labcorp); PubMed 28567294 (cited by Labcorp Genetics (formerly Invitae), Labcorp).